The following is an entry in ClinVar:

ClinVar aggregate classification (germline): Likely benign (1 of 4 stars; one submission).

Allele frequency attached by ClinVar (database versions not stated): TOPMed below 0.00001; gnomAD 0.00001; gnomAD exomes 0.00001.
gnomAD v4.1: 6 of 1,611,786 alleles (0.00037%); highest among the groups gnomAD compares: Non-Finnish European, 0.00051%; no homozygotes.

Submission:

CeGaT Center for Human Genetics Tuebingen
Classification: Likely benign. Last evaluated: 2022-11-01. Review status: criteria provided, single submitter. Criteria: CeGaT Center For Human Genetics Tuebingen Variant Classification Criteria Version 2. Collection method: clinical testing. Allele origin: germline. Affected: yes. Observed: 1 variant allele.
Comment: MPDU1: BP4, BP7

NM_004870.4(MPDU1):c.388+59C>G

Gene: MPDU1 (mannose-P-dolichol utilization defect 1; plus strand). Cytogenetic location: 17p13.1.
Variant type: single nucleotide variant.
Coding change: c.388+59C>G on transcript NM_004870.4 (MANE Select); 59 bases into the intron after coding-DNA position 388, C replaced by G.
Molecular consequence: intron variant. On other transcripts: synonymous variant (1).
Genome position (GRCh38, 1-based): chr17:7,586,836, C>G. VCF-style: chr17-7586836-C-G. GRCh37 (hg19) VCF-style: chr17-7490154-C-G.
Other names: c.447C>G, p.Leu149= (NM_001330073.1).
Identifiers: ClinVar variation 2647366 (VCV002647366.24), dbSNP rs1198985328, ClinGen allele CA624864340.